The following is an entry in ClinVar:

NM_182641.4(BPTF):c.8418T>G (p.Asp2806Glu)

Gene: BPTF (bromodomain PHD finger transcription factor; plus strand). Cytogenetic location: 17q24.2.
Variant type: single nucleotide variant.
Coding change: c.8418T>G on transcript NM_182641.4 (MANE Select); coding-DNA position 8418, T replaced by G.
Protein change: p.Asp2806Glu; replaces aspartic acid 2806 with glutamic acid.
Molecular consequence: missense variant.
Genome position (GRCh38, 1-based): chr17:67,964,368, T>G. VCF-style: chr17-67964368-T-G. GRCh37 (hg19) VCF-style: chr17-65960484-T-G.
Other names: c.8367T>G, p.Asp2789Glu (NM_004459.7); short protein forms D2789E, D2806E.
Identifiers: ClinVar variation 3368500 (VCV003368500.1).

ClinVar aggregate classification (germline): Uncertain significance (1 of 4 stars; one submission).

Submission:

GeneDx
Classification: Uncertain significance. Last evaluated: 2024-01-31. Review status: criteria provided, single submitter. Criteria: GeneDx Variant Classification Process June 2021. Collection method: clinical testing. Allele origin: germline. Affected: yes.
Comment: Not observed at significant frequency in large population cohorts (gnomAD); In silico analysis supports that this missense variant has a deleterious effect on protein structure/function; Has not been previously published as pathogenic or benign to our knowledge